The following is an entry in ClinVar:

ClinVar aggregate classification (germline): Pathogenic/Likely pathogenic. Review status: criteria provided, multiple submitters, no conflicts (2 of 4 stars). 2 submissions from 2 submitters: Pathogenic (1); Likely pathogenic (1). Last evaluated 2025-03-27.

Conditions:
Metaphyseal anadysplasia 2 (MANDP2). Also called: Metaphyseal anadysplasia 2, autosomal recessive. Identifiers: Orphanet 1040, MedGen C2751322, MONDO:0013113, OMIM 613073.

Submissions (2):

First Genomix Gene Laboratory, Genetic Diagnostics Department
Classification: Likely pathogenic for Metaphyseal anadysplasia 2. Last evaluated: 2025-03-27. Review status: criteria provided, single submitter. Criteria: ACMG Guidelines, 2015. Collection method: clinical testing. Allele origin: germline. Inheritance: Autosomal recessive inheritance. Affected: no. Observed: 1 variant allele.

Baylor Genetics
Classification: Pathogenic for Metaphyseal anadysplasia 2. Last evaluated: 2020-01-02. Review status: criteria provided, single submitter. Criteria: ACMG Guidelines, 2015. Collection method: clinical testing. Allele origin: unknown. Affected: yes.
Comment: This variant was determined to be pathogenic according to ACMG Guidelines, 2015 [PMID:25741868].

NM_004994.3(MMP9):c.987C>A (p.Cys329Ter)

Gene: MMP9 (matrix metallopeptidase 9; plus strand). Cytogenetic location: 20q13.12.
Variant type: single nucleotide variant.
Coding change: c.987C>A on transcript NM_004994.3 (MANE Select); coding-DNA position 987, C replaced by A.
Protein change: p.Cys329Ter; replaces cysteine 329 with a stop codon.
Molecular consequence: nonsense.
Genome position (GRCh38, 1-based): chr20:46,011,737, C>A. VCF-style: chr20-46011737-C-A. GRCh37 (hg19) VCF-style: chr20-44640376-C-A.
Other names: short protein forms C329*.
Identifiers: ClinVar variation 1030865 (VCV001030865.2), dbSNP rs1302101551, ClinGen allele CA409215615.